The following is an entry in ClinVar:

ClinVar aggregate classification (germline): Uncertain significance. Review status: criteria provided, multiple submitters, no conflicts (2 of 4 stars). 2 submissions from 2 submitters: Uncertain significance (2). Last evaluated 2025-08-18.

Conditions:
Erythrocytosis, familial, 3 (ECYT3). Identifiers: Orphanet 247511, MedGen C1853286, MONDO:0012353, OMIM 609820.

Allele frequency attached by ClinVar (database versions not stated): gnomAD 0.00001; TOPMed 0.00002.
gnomAD v4.1: 3 of 1,521,656 alleles (0.0002%); highest among the groups gnomAD compares: African/African-American, 0.0028%; no homozygotes.

Submissions (2):

Labcorp Genetics (formerly Invitae), Labcorp
Classification: Uncertain significance for Erythrocytosis, familial, 3. Last evaluated: 2025-08-18. Review status: criteria provided, single submitter. Criteria: Invitae Variant Classification Sherloc (09022015). Collection method: clinical testing. Allele origin: germline.
Comment: This sequence change replaces proline, which is neutral and non-polar, with leucine, which is neutral and non-polar, at codon 149 of the EGLN1 protein (p.Pro149Leu). This variant is not present in population databases (gnomAD no frequency). This variant has not been reported in the literature in individuals affected with EGLN1-related conditions. ClinVar contains an entry for this variant (Variation ID: 1740816). An algorithm developed to predict the effect of missense changes on protein structure and function outputs the following: PolyPhen-2: "Benign". The leucine amino acid residue is found in multiple mammalian species, which suggests that this missense change does not adversely affect protein function. In summary, the available evidence is currently insufficient to determine the role of this variant in disease. Therefore, it has been classified as a Variant of Uncertain Significance.

Ambry Genetics
Classification: Uncertain significance. Last evaluated: 2023-11-09. Review status: criteria provided, single submitter. Criteria: Ambry Variant Classification Scheme 2023. Collection method: clinical testing. Allele origin: germline.
Comment: The p.P149L variant (also known as c.446C>T), located in coding exon 1 of the EGLN1 gene, results from a C to T substitution at nucleotide position 446. The proline at codon 149 is replaced by leucine, an amino acid with similar properties. This amino acid position is conserved. In addition, this alteration is predicted to be tolerated by in silico analysis. Since supporting evidence is limited at this time, the clinical significance of this alteration remains unclear.

NM_022051.3(EGLN1):c.446C>T (p.Pro149Leu)

Gene: EGLN1 (egl-9 family hypoxia inducible factor 1; minus strand). Cytogenetic location: 1q42.2.
Variant type: single nucleotide variant.
Coding change: c.446C>T on transcript NM_022051.3 (MANE Select); coding-DNA position 446, C replaced by T.
Protein change: p.Pro149Leu; replaces proline 149 with leucine.
Molecular consequence: missense variant.
Genome position (GRCh38, 1-based): chr1:231,421,443, G>A on the plus strand (C>T on the coding strand, the complement: EGLN1 is on the minus strand). VCF-style: chr1-231421443-G-A. GRCh37 (hg19) VCF-style: chr1-231557189-G-A.
Other names: c.446C>T, p.Pro149Leu (NM_001377260.1, NM_001377261.1); short protein forms P149L.
Identifiers: ClinVar variation 1740816 (VCV001740816.3), dbSNP rs1438712181, ClinGen allele CA345236960.